The following is an entry in ClinVar:

NM_018489.3(ASH1L):c.4571T>C (p.Val1524Ala)

Gene: ASH1L (ASH1 like histone lysine methyltransferase; minus strand). Cytogenetic location: 1q22.
Variant type: single nucleotide variant.
Coding change: c.4571T>C on transcript NM_018489.3 (MANE Select); coding-DNA position 4571, T replaced by C.
Protein change: p.Val1524Ala; replaces valine 1524 with alanine.
Molecular consequence: missense variant.
Genome position (GRCh38, 1-based): chr1:155,478,299, A>G on the plus strand (T>C on the coding strand, the complement: ASH1L is on the minus strand). VCF-style: chr1-155478299-A-G. GRCh37 (hg19) VCF-style: chr1-155448090-A-G.
Other names: c.4571T>C, p.Val1524Ala (NM_001366177.2); short protein forms V1524A.
Identifiers: ClinVar variation 4531081 (VCV004531081.1).

ClinVar aggregate classification (germline): Uncertain significance (1 of 4 stars; one submission).

Submission:

GeneDx
Classification: Uncertain significance. Last evaluated: 2025-05-18. Review status: criteria provided, single submitter. Criteria: GeneDx Variant Classification Process June 2021. Collection method: clinical testing. Allele origin: germline. Affected: yes.
Comment: Not observed at significant frequency in large population cohorts (gnomAD); In silico analysis suggests that this missense variant does not alter protein structure/function; Has not been previously published as pathogenic or benign to our knowledge